The following is an entry in ClinVar:

ClinVar aggregate classification (germline): Likely benign (1 of 4 stars; one submission).

Conditions:
PHIP-related disorder. Also called: PHIP-related disorders; PHIP-related condition.

Submission:

PreventionGenetics, part of Exact Sciences
Classification: Likely benign for PHIP-related condition. Last evaluated: 2025-01-15. Review status: criteria provided, single submitter. Criteria: ACMG Guidelines, 2015. Collection method: clinical testing. Allele origin: germline.
Comment: This variant is classified as likely benign based on ACMG/AMP sequence variant interpretation guidelines (Richards et al. 2015 PMID: 25741868, with internal and published modifications).

NM_017934.7(PHIP):c.2865A>G (p.Pro955=)

Genes: IRAK1BP1 (interleukin 1 receptor associated kinase 1 binding protein 1; plus strand), PHIP (PHIP subunit of CUL4-Ring ligase complex; minus strand). Cytogenetic location: 6q14.1.
Variant type: single nucleotide variant.
Coding change: c.2865A>G on transcript NM_017934.7 (MANE Select); coding-DNA position 2865, A replaced by G.
Protein change: p.Pro955=; no amino-acid change (proline 955 retained).
Molecular consequence: synonymous variant.
Genome position (GRCh38, 1-based): chr6:78,978,616, T>C on the plus strand (A>G on the coding strand, the complement: PHIP is on the minus strand). VCF-style: chr6-78978616-T-C. GRCh37 (hg19) VCF-style: chr6-79688333-T-C.
Identifiers: ClinVar variation 4981274 (VCV004981274.1).